The following is an entry in ClinVar:

NM_014871.6(PAN2):c.2346-1G>A

Gene: PAN2 (poly(A) specific ribonuclease subunit PAN2; minus strand). Cytogenetic location: 12q13.3.
Variant type: single nucleotide variant.
Coding change: c.2346-1G>A on transcript NM_014871.6 (MANE Select); the canonical splice acceptor site of the intron before coding-DNA position 2346, G replaced by A.
Molecular consequence: splice acceptor variant.
Genome position (GRCh38, 1-based): chr12:56,323,210, C>T on the plus strand (G>A on the coding strand, the complement: PAN2 is on the minus strand). VCF-style: chr12-56323210-C-T. GRCh37 (hg19) VCF-style: chr12-56716994-C-T.
Other names: c.1929-1G>A (NM_001394708.1); c.2343-1G>A (NM_001394706.1, NM_001394701.1, NM_001394707.1 and 1 more transcripts); c.2355-1G>A (NM_001394704.1, NM_001166279.3); c.2346-1G>A (NM_001394705.1, NM_001394700.1); c.2358-1G>A (NM_001394703.1, NM_001394699.1, NM_001127460.4).
Identifiers: ClinVar variation 3363958 (VCV003363958.1).

ClinVar aggregate classification (germline): Uncertain significance (1 of 4 stars; one submission).

Submission:

GeneDx
Classification: Uncertain significance. Last evaluated: 2023-11-11. Review status: criteria provided, single submitter. Criteria: GeneDx Variant Classification Process June 2021. Collection method: clinical testing. Allele origin: germline. Affected: yes.
Comment: Not observed at significant frequency in large population cohorts (gnomAD); Canonical splice site variant predicted to result in a null allele in a gene for which loss of function is a known mechanism of disease; Has not been previously published as pathogenic or benign to our knowledge